The following is an entry in ClinVar:

NM_001110556.2(FLNA):c.7804G>A (p.Glu2602Lys)

Genes: FLNA (filamin A; minus strand), LOC107988032 (Xq28 proximal FLNA-EMD recombination region; plus strand). Cytogenetic location: Xq28.
Variant type: single nucleotide variant.
Coding change: c.7804G>A on transcript NM_001110556.2 (MANE Select); coding-DNA position 7804, G replaced by A.
Protein change: p.Glu2602Lys; replaces glutamic acid 2602 with lysine.
Molecular consequence: missense variant.
Genome position (GRCh38, 1-based): chrX:154,348,989, C>T on the plus strand (G>A on the coding strand, the complement: FLNA is on the minus strand). VCF-style: chrX-154348989-C-T. GRCh37 (hg19) VCF-style: chrX-153577357-C-T.
Other names: c.7804G>A (NM_001110556.1); c.7780G>A, p.Glu2594Lys (NM_001456.4); short protein forms E2594K, E2602K.
Identifiers: ClinVar variation 4792401 (VCV004792401.2).

ClinVar aggregate classification (germline): Conflicting classifications of pathogenicity. Review status: criteria provided, conflicting classifications (1 of 4 stars). 2 submissions from 2 submitters: Uncertain significance (1); Likely benign (1). Last evaluated 2025-02-18.

Conditions:
Frontometaphyseal dysplasia (FMD1). Identifiers: Orphanet 1826, MedGen C0265293, MONDO:0015942.
Heterotopia, periventricular, X-linked dominant (PVNH1). Also called: PERIVENTRICULAR NODULAR HETEROTOPIA 1; X-linked periventricular heterotopia; PERIVENTRICULAR NODULAR HETEROTOPIA 4; HETEROTOPIA, PERIVENTRICULAR, 1. Identifiers: Orphanet 2149, Orphanet 82004, MedGen C1848213, MONDO:0010233, OMIM 300049.
Melnick-Needles syndrome (MNS). Also called: Melnick-Needles Syndrome (FLNA-MNS); MELNICK-NEEDLES OSTEODYSPLASTY; OSTEODYSPLASTY OF MELNICK AND NEEDLES. Identifiers: Orphanet 2484, MedGen C0025237, MONDO:0010650, OMIM 309350.
Oto-palato-digital syndrome, type II (OPD2). Also called: Otopalatodigital Syndrome, Type II; FACIOPALATOOSSEOUS SYNDROME; Otopalatodigital Syndrome Type 2 (FLNA-OPD2); OPD II SYNDROME. Identifiers: Orphanet 669, Orphanet 90652, MedGen C1844696, MONDO:0010571, OMIM 304120.
FLNA-related disorder.

gnomAD v4.1: 9 of 1,211,267 alleles (0.00074%); highest among the groups gnomAD compares: Admixed American, 0.0043%; no homozygotes.

Submissions (2):

Labcorp Genetics (formerly Invitae), Labcorp
Classification: Likely benign for Oto-palato-digital syndrome, type II; Heterotopia, periventricular, X-linked dominant; Frontometaphyseal dysplasia; Melnick-Needles syndrome. Last evaluated: 2025-02-18. Review status: criteria provided, single submitter. Criteria: Invitae Variant Classification Sherloc (09022015). Collection method: clinical testing. Allele origin: germline.

PreventionGenetics, part of Exact Sciences
Classification: Uncertain significance for FLNA-related condition. Last evaluated: 2025-01-31. Review status: criteria provided, single submitter. Criteria: ACMG Guidelines, 2015. Collection method: clinical testing. Allele origin: germline.
Comment: The FLNA c.7804G>A variant is predicted to result in the amino acid substitution p.Glu2602Lys. To our knowledge, this variant has not been reported in the literature. This variant is reported in 0.0037% of alleles in individuals of Latino descent in gnomAD. At this time, the clinical significance of this variant is uncertain due to the absence of conclusive functional and genetic evidence.